The following is an entry in ClinVar:

NM_000071.3(CBS):c.1612G>C (p.Asp538His)

Gene: CBS (cystathionine beta-synthase; minus strand). Cytogenetic location: 21q22.3.
Variant type: single nucleotide variant.
Coding change: c.1612G>C on transcript NM_000071.3 (MANE Select); coding-DNA position 1612, G replaced by C.
Protein change: p.Asp538His; replaces aspartic acid 538 with histidine.
Molecular consequence: missense variant.
Genome position (GRCh38, 1-based): chr21:43,053,924, C>G on the plus strand (G>C on the coding strand, the complement: CBS is on the minus strand). VCF-style: chr21-43053924-C-G. GRCh37 (hg19) VCF-style: chr21-44474034-C-G.
Other names: c.1612G>C, p.Asp538His (NM_001178008.3, NM_001178009.3, NM_001320298.2); c.1297G>C, p.Asp433His (NM_001321072.1); short protein forms D433H, D538H.
Identifiers: ClinVar variation 4706561 (VCV004706561.1).

ClinVar aggregate classification (germline): Uncertain significance (1 of 4 stars; one submission).

Conditions:
HYPERHOMOCYSTEINEMIA, THROMBOTIC, CBS-RELATED. Identifiers: MedGen C3150344, OMIM 236200.

Submission:

Labcorp Genetics (formerly Invitae), Labcorp
Classification: Uncertain significance for HYPERHOMOCYSTEINEMIA, THROMBOTIC, CBS-RELATED. Last evaluated: 2025-08-20. Review status: criteria provided, single submitter. Criteria: Invitae Variant Classification Sherloc (09022015). Collection method: clinical testing. Allele origin: germline.
Comment: This sequence change replaces aspartic acid, which is acidic and polar, with histidine, which is basic and polar, at codon 538 of the CBS protein (p.Asp538His). This variant is not present in population databases (gnomAD no frequency). This missense change has been observed in individual(s) with clinical features of homocystinuria due to CBS deficiency (internal data). Invitae Evidence Modeling of protein sequence and biophysical properties (such as structural, functional, and spatial information, amino acid conservation, physicochemical variation, residue mobility, and thermodynamic stability) indicates that this missense variant is expected to disrupt CBS protein function with a positive predictive value of 95%. In summary, the available evidence is currently insufficient to determine the role of this variant in disease. Therefore, it has been classified as a Variant of Uncertain Significance.